The following is an entry in ClinVar:

NM_130839.5(UBE3A):c.442C>T (p.Arg148Cys)

Genes: SNHG14 (small nucleolar RNA host gene 14; plus strand), UBE3A (ubiquitin protein ligase E3A; minus strand). Cytogenetic location: 15q11.2.
Variant type: single nucleotide variant.
Coding change: c.442C>T on transcript NM_130839.5 (MANE Select); coding-DNA position 442, C replaced by T.
Protein change: p.Arg148Cys; replaces arginine 148 with cysteine.
Molecular consequence: missense variant. On other transcripts: non-coding transcript variant (1), intron variant (2).
Genome position (GRCh38, 1-based): chr15:25,371,732, G>A on the plus strand (C>T on the coding strand, the complement: UBE3A is on the minus strand). VCF-style: chr15-25371732-G-A. GRCh37 (hg19) VCF-style: chr15-25616879-G-A.
Other names: c.451C>T, p.Arg151Cys (NM_000462.5); c.442C>T, p.Arg148Cys (NM_001354505.1, NM_001354538.2, NM_001354545.2); c.382C>T, p.Arg128Cys (NM_001354506.2, NM_001354507.2, NM_001354508.2 and 17 more transcripts); c.265C>T, p.Arg89Cys (NM_001354546.2); c.301+3733C>T (NM_001354551.2); c.361+3733C>T (NM_001354550.2); short protein forms R128C, R148C, R89C, R151C.
Identifiers: ClinVar variation 156624 (VCV000156624.8), dbSNP rs587783101, ClinGen allele CA294646.
Genomic context (GRCh38, chr15:25,371,732, plus strand): 5'-TAACTTTCCGGAAGCTCTGTACCAATGCCTCAGCACTAGAAAAAACTCTTCCAATAACAC[G>A]GATTAAAGGGGAATAATCCTCTCTTTCTCTACATAATTCAAGAATTTCATATACCTTCTC-3'
Protein context (NP_570854.1, residues 138-158): REREDYSPLI[Arg148Cys]VIGRVFSSAE

ClinVar aggregate classification (germline): Uncertain significance (1 of 4 stars; one submission).

Conditions:
Angelman syndrome (AS). Also called: HAPPY PUPPET SYNDROME. Identifiers: Orphanet 72, MedGen C0162635, MONDO:0007113, OMIM 105830. Disease mechanism: loss of function. Inheritance: AS is caused by disruption of maternally imprinted UBE3A located within the 15q11.2-q13 Angelman syndrome/Prader-Willi syndrome (AS/PWS) region., imprinting disorder.

Allele frequency attached by ClinVar (database versions not stated): TOPMed below 0.00001; ExAC 0.00001; gnomAD 0.00001; gnomAD exomes 0.00001 and 0.00002.
gnomAD v4.1: 20 of 1,613,616 alleles (0.0012%); highest among the groups gnomAD compares: Admixed American, 0.005%; no homozygotes.

Submission:

Labcorp Genetics (formerly Invitae), Labcorp
Classification: Uncertain significance for Angelman syndrome. Last evaluated: 2024-10-23. Review status: criteria provided, single submitter. Criteria: Invitae Variant Classification Sherloc (09022015). Collection method: clinical testing. Allele origin: germline.
Comment: This sequence change replaces arginine, which is basic and polar, with cysteine, which is neutral and slightly polar, at codon 128 of the UBE3A protein (p.Arg128Cys). This variant is present in population databases (rs587783101, gnomAD 0.009%). This missense change has been observed in individual(s) with congenital anomalies (PMID: 26633542). ClinVar contains an entry for this variant (Variation ID: 156624). Invitae Evidence Modeling of protein sequence and biophysical properties (such as structural, functional, and spatial information, amino acid conservation, physicochemical variation, residue mobility, and thermodynamic stability) indicates that this missense variant is expected to disrupt UBE3A protein function with a positive predictive value of 80%. Experimental studies have shown that this missense change affects UBE3A function (PMID: 34815418). In summary, the available evidence is currently insufficient to determine the role of this variant in disease. Therefore, it has been classified as a Variant of Uncertain Significance.

Literature cited by the submitters: PubMed 26633542; PubMed 34815418.